The following is an entry in ClinVar:

NM_004415.4(DSP):c.4320G>A (p.Val1440=)

Gene: DSP (desmoplakin; plus strand). Cytogenetic location: 6p24.3.
Variant type: single nucleotide variant.
Coding change: c.4320G>A on transcript NM_004415.4 (MANE Select); coding-DNA position 4320, G replaced by A.
Protein change: p.Val1440=; no amino-acid change (valine 1440 retained).
Molecular consequence: synonymous variant. On other transcripts: intron variant (2).
Genome position (GRCh38, 1-based): chr6:7,580,510, G>A. VCF-style: chr6-7580510-G-A. GRCh37 (hg19) VCF-style: chr6-7580743-G-A.
Other names: c.4320G>A (LRG_423t1); c.4050+270G>A (NM_001319034.2); c.3582+738G>A (NM_001008844.3).
Identifiers: ClinVar variation 413260 (VCV000413260.35), dbSNP rs571103583, ClinGen allele CA041120.

ClinVar aggregate classification (germline): Benign/Likely benign. Review status: criteria provided, multiple submitters, no conflicts (2 of 4 stars). 9 submissions from 9 submitters: Benign (3); Likely benign (5). 1 of the submissions does not count toward it. Last evaluated 2026-02-02.

Conditions:
DSP-related disorder. Also called: DSP-related condition; DSP-related disorders.
Cardiovascular phenotype. Identifiers: MedGen CN230736.
Keratosis palmoplantaris striata 2. Also called: KERATODERMA, PALMOPLANTAR, STRIATE FORM II; STRIATE PALMOPLANTAR KERATODERMA II; Keratosis palmoplantaris striata II. Identifiers: MedGen C1852127, MONDO:0013034, OMIM 612908.
Arrhythmogenic right ventricular dysplasia 8 (ARVD8). Also called: ARRHYTHMOGENIC RIGHT VENTRICULAR DYSPLASIA, FAMILIAL, 8; ARRHYTHMOGENIC RIGHT VENTRICULAR CARDIOMYOPATHY 8; Arrhythmogenic Right Ventricular Dysplasia/Cardiomyopathy 8. Identifiers: MedGen C1843896, MONDO:0011831, OMIM 607450.
Lethal acantholytic epidermolysis bullosa (EBLA). Identifiers: Orphanet 158687, MedGen C1864826, MONDO:0012323, OMIM 609638.
Arrhythmogenic cardiomyopathy with wooly hair and keratoderma. Also called: Dilated cardiomyopathy with woolly hair and keratoderma; PALMOPLANTAR KERATODERMA WITH LEFT VENTRICULAR CARDIOMYOPATHY AND WOOLLY HAIR; Arrhythmogenic cardiomyopathy with woolly hair and keratoderma; Carvajal syndrome. Identifiers: Orphanet 65282, MedGen C1854063, MONDO:0011581, OMIM 605676.
Cardiomyopathy, dilated, with wooly hair, keratoderma, and tooth agenesis. Also called: Erythrokeratodermia-cardiomyopathy syndrome; Cardiomyopathy, dilated, with woolly hair, keratoderma, and tooth agenesis. Identifiers: Orphanet 476096, Orphanet 65282, MedGen C4014393, MONDO:0014355, OMIM 615821.
Woolly hair-skin fragility syndrome (WHSF). Identifiers: Orphanet 293165, MedGen C1843292, MONDO:0957307, OMIM 620415.
Cardiomyopathy (CMYO). Also called: Cardiomyopathies. Identifiers: Orphanet 167848, MedGen C0878544, MONDO:0004994, HP:0001638. Inheritance: Various modes of inheritance.

Allele frequency attached by ClinVar (database versions not stated): gnomAD 0.00006 and 0.00013; TOPMed 0.00007; 1000 Genomes Project 30x 0.00016; 1000 Genomes Project 0.00020; gnomAD exomes 0.00045; ExAC 0.00053.
gnomAD v4.1: 321 of 1,614,158 alleles (0.02%); highest among the groups gnomAD compares: South Asian, 0.28%; 2 homozygotes.

Submissions (9):

Labcorp Genetics (formerly Invitae), Labcorp
Classification: Benign for Arrhythmogenic cardiomyopathy with wooly hair and keratoderma; Arrhythmogenic right ventricular dysplasia 8. Last evaluated: 2026-02-02. Review status: criteria provided, single submitter. Criteria: Invitae Variant Classification Sherloc (09022015). Collection method: clinical testing. Allele origin: germline.

Blueprint Genetics
Classification: Likely benign. Last evaluated: 2024-11-07. Review status: criteria provided, single submitter. Criteria: ACMG Guidelines, 2015. Collection method: clinical testing. Allele origin: germline.

CeGaT Center for Human Genetics Tuebingen
Classification: Likely benign. Last evaluated: 2024-09-01. Review status: criteria provided, single submitter. Criteria: CeGaT Center For Human Genetics Tuebingen Variant Classification Criteria Version 2. Collection method: clinical testing. Allele origin: germline. Affected: yes. Observed: 1 variant allele.
Comment: DSP: BP4, BP7

All of Us Research Program, National Institutes of Health
Classification: Likely benign for Arrhythmogenic cardiomyopathy with wooly hair and keratoderma. Last evaluated: 2024-02-05. Review status: criteria provided, single submitter. Criteria: ACMG Guidelines, 2015. Collection method: clinical testing. Allele origin: germline. Inheritance: Autosomal dominant inheritance. Observed: 19 variant alleles, 19 heterozygotes.
Comment: This study involves interpretation of variants in research participants for the purpose of population health screening. Participant phenotype was not available at the time of variant classification. Additional details can be found in publication PMID: 35346344, PMCID: PMC8962531

Women's Health and Genetics/Laboratory Corporation of America, LabCorp
Classification: Benign. Last evaluated: 2022-02-12. Review status: criteria provided, single submitter. Criteria: LabCorp Variant Classification Summary - May 2015. Collection method: clinical testing. Allele origin: germline.

Fulgent Genetics
Classification: Benign for Arrhythmogenic cardiomyopathy with wooly hair and keratoderma; Arrhythmogenic right ventricular dysplasia 8; Lethal acantholytic epidermolysis bullosa; Keratosis palmoplantaris striata 2; Cardiomyopathy, dilated, with wooly hair, keratoderma, and tooth agenesis. Last evaluated: 2021-09-20. Review status: criteria provided, single submitter. Criteria: ACMG Guidelines, 2015. Collection method: clinical testing. Allele origin: unknown.

Ambry Genetics
Classification: Likely benign for Cardiovascular phenotype. Last evaluated: 2020-12-08. Review status: criteria provided, single submitter. Criteria: Ambry Variant Classification Scheme 2023. Collection method: clinical testing. Allele origin: germline.

Color Diagnostics, LLC DBA Color Health
Classification: Likely benign for Cardiomyopathy. Last evaluated: 2018-04-13. Review status: criteria provided, single submitter. Criteria: ACMG Guidelines, 2015. Collection method: clinical testing. Allele origin: germline.

PreventionGenetics, part of Exact Sciences
Classification: Likely benign for DSP-related condition. Last evaluated: 2024-07-19. Review status: no assertion criteria provided. Collection method: clinical testing. Allele origin: germline. Not counted in ClinVar's aggregate classification.
Comment: This variant is classified as likely benign based on ACMG/AMP sequence variant interpretation guidelines (Richards et al. 2015 PMID: 25741868, with internal and published modifications).